The following is an entry in ClinVar:

NM_018979.4(WNK1):c.3263C>T (p.Ser1088Phe)

Gene: WNK1 (WNK lysine deficient protein kinase 1; plus strand). Cytogenetic location: 12p13.33.
Variant type: single nucleotide variant.
Coding change: c.3263C>T on transcript NM_018979.4 (MANE Select); coding-DNA position 3263, C replaced by T.
Protein change: p.Ser1088Phe; replaces serine 1088 with phenylalanine.
Molecular consequence: missense variant.
Genome position (GRCh38, 1-based): chr12:881,964, C>T. VCF-style: chr12-881964-C-T. GRCh37 (hg19) VCF-style: chr12-991130-C-T.
Other names: c.4043C>T, p.Ser1348Phe (NM_001184985.2); c.2522C>T, p.Ser841Phe (NM_014823.3); c.4019C>T, p.Ser1340Phe (NM_213655.5); short protein forms S1088F, S1340F, S1348F, S841F.
Identifiers: ClinVar variation 2691594 (VCV002691594.4), dbSNP rs747339883, ClinGen allele CA6382728.

ClinVar aggregate classification (germline): Uncertain significance. Review status: criteria provided, multiple submitters, no conflicts (2 of 4 stars). 2 submissions from 2 submitters: Uncertain significance (2). Last evaluated 2025-07-03.

Conditions:
Neuropathy, hereditary sensory and autonomic, type 2A (HSAN2A). Also called: ACROOSTEOLYSIS, GIACCAI TYPE; ACROOSTEOLYSIS, NEUROGENIC; MORVAN DISEASE; NEUROPATHY, CONGENITAL SENSORY; NEUROPATHY, HEREDITARY SENSORY RADICULAR, AUTOSOMAL RECESSIVE; NEUROPATHY, HEREDITARY SENSORY, TYPE IIA. Identifiers: Orphanet 970, MedGen C2752089, MONDO:0024309, OMIM 201300.
Pseudohypoaldosteronism type 2C (PHA2C). Also called: Pseudohypoaldosteronism Type IIC. Identifiers: Orphanet 757, Orphanet 88940, MedGen C1840391, MONDO:0013778, OMIM 614492.

Allele frequency attached by ClinVar (database versions not stated): gnomAD 0.00001; gnomAD exomes 0.00001; TOPMed 0.00003.
gnomAD v4.1: 6 of 1,614,058 alleles (0.00037%); highest among the groups gnomAD compares: Admixed American, 0.01%; no homozygotes.

Submissions (2):

Labcorp Genetics (formerly Invitae), Labcorp
Classification: Uncertain significance for Neuropathy, hereditary sensory and autonomic, type 2A; Pseudohypoaldosteronism type 2C. Last evaluated: 2025-07-03. Review status: criteria provided, single submitter. Criteria: Invitae Variant Classification Sherloc (09022015). Collection method: clinical testing. Allele origin: germline.
Comment: This sequence change replaces serine, which is neutral and polar, with phenylalanine, which is neutral and non-polar, at codon 1340 of the WNK1 protein (p.Ser1340Phe). This variant is present in population databases (rs747339883, gnomAD 0.007%). This variant has not been reported in the literature in individuals affected with WNK1-related conditions. ClinVar contains an entry for this variant (Variation ID: 2691594). Invitae Evidence Modeling of protein sequence and biophysical properties (such as structural, functional, and spatial information, amino acid conservation, physicochemical variation, residue mobility, and thermodynamic stability) indicates that this missense variant is not expected to disrupt WNK1 protein function with a negative predictive value of 95%. In summary, the available evidence is currently insufficient to determine the role of this variant in disease. Therefore, it has been classified as a Variant of Uncertain Significance.

Women's Health and Genetics/Laboratory Corporation of America, LabCorp
Classification: Uncertain significance. Last evaluated: 2023-12-01. Review status: criteria provided, single submitter. Criteria: LabCorp Variant Classification Summary - May 2015. Collection method: clinical testing. Allele origin: germline.
Comment: Variant summary: WNK1 c.3263C>T (p.Ser1088Phe) results in a non-conservative amino acid change in the encoded protein sequence. Three of five in-silico tools predict a benign effect of the variant on protein function. The variant allele was found at a frequency of 1.2e-05 in 251362 control chromosomes. The available data on variant occurrences in the general population are insufficient to allow any conclusion about variant significance. To our knowledge, no occurrence of c.3263C>T in individuals affected with Neuropathy, Hereditary Sensory And Autonomic, Type 2A and no experimental evidence demonstrating its impact on protein function have been reported. No submitters have cited clinical-significance assessments for this variant to ClinVar after 2014. Based on the evidence outlined above, the variant was classified as uncertain significance.